The following is an entry in ClinVar:

NM_000214.3(JAG1):c.765C>G (p.Tyr255Ter)

Gene: JAG1 (jagged canonical Notch ligand 1; minus strand). Cytogenetic location: 20p12.2.
Variant type: single nucleotide variant.
Coding change: c.765C>G on transcript NM_000214.3 (MANE Select); coding-DNA position 765, C replaced by G.
Protein change: p.Tyr255Ter; replaces tyrosine 255 with a stop codon.
Molecular consequence: nonsense.
Genome position (GRCh38, 1-based): chr20:10,652,589, G>C on the plus strand (C>G on the coding strand, the complement: JAG1 is on the minus strand). VCF-style: chr20-10652589-G-C. GRCh37 (hg19) VCF-style: chr20-10633237-G-C.
Other names: c.765C>G, p.Tyr255Ter (LRG_1191t1); short protein forms Y255*.
Identifiers: ClinVar variation 234555 (VCV000234555.2), dbSNP rs1131695, ClinGen allele CA10577619.

ClinVar aggregate classification (germline): Pathogenic (1 of 4 stars; one submission).

Submission:

GeneDx
Classification: Pathogenic. Last evaluated: 2015-10-01. Review status: criteria provided, single submitter. Criteria: GeneDx Variant Classification (06012015). Collection method: clinical testing. Allele origin: germline. Affected: yes.
Comment: The Y255X nonsense pathogenic variant in the JAG1 gene has been reported previously in association with Alagille syndrome (Witt et al., 2004; Warthen et al., 2006). This pathogenic variant is predicted to cause loss of normal protein function either through protein truncation or nonsense-mediated mRNA decay, and functional studies have shown that Y255X results in the loss of mRNA expression (Boyer et al., 2005). The variant was not observed in approximately 6,500 individuals of European and African American ancestry in the NHLBI Exome Sequencing Project, indicating it is not a common benign variant in these populations. Additionally, another nucleotide substitution (c.765 C>A), which leads to the same nonsense change (Y255X), has been reported as pathogenic in association with Alagille syndrome (Kola et al., 2011).